The following is an entry in ClinVar:

NM_003072.5(SMARCA4):c.630G>T (p.Met210Ile)

Gene: SMARCA4 (SWI/SNF related BAF chromatin remodeling complex subunit ATPase 4; plus strand). Cytogenetic location: 19p13.2.
Variant type: single nucleotide variant.
Coding change: c.630G>T on transcript NM_003072.5 (MANE Select); coding-DNA position 630, G replaced by T.
Protein change: p.Met210Ile; replaces methionine 210 with isoleucine.
Molecular consequence: missense variant. On other transcripts: non-coding transcript variant (1).
Genome position (GRCh38, 1-based): chr19:10,986,463, G>T. VCF-style: chr19-10986463-G-T. GRCh37 (hg19) VCF-style: chr19-11097139-G-T.
Other names: c.630G>T (NM_001128849.2); c.630G>T, p.Met210Ile (NM_001128844.3, NM_001128845.2, NM_001128846.2 and 5 more transcripts); short protein forms M210I.
Identifiers: ClinVar variation 537788 (VCV000537788.17), dbSNP rs1043452739, ClinGen allele CA404056672.
Genomic context (GRCh38, chr19:10,986,463, plus strand): 5'-GGCCAGGGGGCAGCCCCTCCCCGACCACCTGCAGATGGCGGTGCAGGGCAAGCGGCCGAT[G>T]CCCGGGATGCAGCAGCAGATGCCAACGCTACCTCCACCCTCGGTGTCCGCAACAGGACCC-3'
Protein context (NP_003063.2, residues 200-220): LQMAVQGKRP[Met210Ile]PGMQQQMPTL

ClinVar aggregate classification (germline): Conflicting classifications of pathogenicity. Review status: criteria provided, conflicting classifications (1 of 4 stars). 4 submissions from 4 submitters: Uncertain significance (3); Likely benign (1). Last evaluated 2025-10-29.

Conditions:
Hereditary cancer-predisposing syndrome. Also called: Tumor predisposition; Hereditary Cancer Syndrome; Hereditary neoplastic syndrome; Neoplastic Syndromes, Hereditary. Identifiers: Orphanet 140162, MedGen C0027672, MeSH D009386, MONDO:0015356.
Rhabdoid tumor predisposition syndrome 2 (RTPS2). Identifiers: Orphanet 231108, Orphanet 69077, MedGen C2750074, MONDO:0013224, OMIM 613325.
Intellectual disability, autosomal dominant 16 (CSS4). Also called: COFFIN-SIRIS SYNDROME 4. Identifiers: Orphanet 1465, MedGen C3553249, MONDO:0013821, OMIM 614609.
Otosclerosis 12. Identifiers: MedGen C5935610, MONDO:0968980, OMIM 620792.

Allele frequency attached by ClinVar (database versions not stated): gnomAD 0.00001; gnomAD exomes 0.00001.
gnomAD v4.1: 8 of 1,556,854 alleles (0.00051%); highest among the groups gnomAD compares: African/African-American, 0.0027%; no homozygotes.

Submissions (4):

Labcorp Genetics (formerly Invitae), Labcorp
Classification: Uncertain significance for Rhabdoid tumor predisposition syndrome 2. Last evaluated: 2025-10-29. Review status: criteria provided, single submitter. Criteria: Invitae Variant Classification Sherloc (09022015). Collection method: clinical testing. Allele origin: germline.
Comment: This sequence change replaces methionine, which is neutral and non-polar, with isoleucine, which is neutral and non-polar, at codon 210 of the SMARCA4 protein (p.Met210Ile). The frequency data for this variant in the population databases is considered unreliable, as metrics indicate poor data quality at this position in the gnomAD database. This variant has not been reported in the literature in individuals affected with SMARCA4-related conditions. ClinVar contains an entry for this variant (Variation ID: 537788). Invitae Evidence Modeling of protein sequence and biophysical properties (such as structural, functional, and spatial information, amino acid conservation, physicochemical variation, residue mobility, and thermodynamic stability) indicates that this missense variant is not expected to disrupt SMARCA4 protein function with a negative predictive value of 95%. In summary, the available evidence is currently insufficient to determine the role of this variant in disease. Therefore, it has been classified as a Variant of Uncertain Significance.

Fulgent Genetics
Classification: Uncertain significance for Rhabdoid tumor predisposition syndrome 2; Intellectual disability, autosomal dominant 16; Otosclerosis 12. Last evaluated: 2024-02-16. Review status: criteria provided, single submitter. Criteria: ACMG Guidelines, 2015. Collection method: clinical testing. Allele origin: germline.

Ambry Genetics
Classification: Likely benign for Hereditary cancer-predisposing syndrome. Last evaluated: 2023-01-23. Review status: criteria provided, single submitter. Criteria: Ambry Variant Classification Scheme 2023. Collection method: clinical testing. Allele origin: germline.

Genome-Nilou Lab
Classification: Uncertain significance for Intellectual disability, autosomal dominant 16. Last evaluated: 2021-07-15. Review status: criteria provided, single submitter. Criteria: ACMG Guidelines, 2015. Collection method: clinical testing. Allele origin: germline. Affected: no.